The following is an entry in ClinVar:

ClinVar aggregate classification (germline): Likely benign. Review status: criteria provided, multiple submitters, no conflicts (2 of 4 stars). 3 submissions from 3 submitters: Likely benign (3). Last evaluated 2025-07-31.

Conditions:
Muscular dystrophy-dystroglycanopathy (congenital with brain and eye anomalies), type a, 11 (MDDGA11). Also called: Congenital muscular dystrophy-dystroglycanopathy with brain and eye anomalies, type A11; Muscular dystrophy-dystroglycanopathy (congenital with brain and eye anomalies, type A, 11; WALKER-WARBURG SYNDROME OR MUSCLE-EYE-BRAIN DISEASE, B3GALNT2-RELATED. Identifiers: Orphanet 588, Orphanet 899, MedGen C3554638, MONDO:0014071, OMIM 615181.

Allele frequency attached by ClinVar (database versions not stated): ExAC 0.00002; gnomAD exomes 0.00004.
gnomAD v4.1: 88 of 1,613,978 alleles (0.0055%); highest among the groups gnomAD compares: Middle Eastern, 0.033%; 1 homozygote.

Submissions (3):

Labcorp Genetics (formerly Invitae), Labcorp
Classification: Likely benign for Muscular dystrophy-dystroglycanopathy (congenital with brain and eye anomalies), type a, 11. Last evaluated: 2025-07-31. Review status: criteria provided, single submitter. Criteria: Invitae Variant Classification Sherloc (09022015). Collection method: clinical testing. Allele origin: germline.

Blueprint Genetics
Classification: Likely benign. Last evaluated: 2024-09-13. Review status: criteria provided, single submitter. Criteria: ACMG Guidelines, 2015. Collection method: clinical testing. Allele origin: germline.

CeGaT Center for Human Genetics Tuebingen
Classification: Likely benign. Last evaluated: 2023-06-01. Review status: criteria provided, single submitter. Criteria: CeGaT Center For Human Genetics Tuebingen Variant Classification Criteria Version 2. Collection method: clinical testing. Allele origin: germline. Affected: yes. Observed: 1 variant allele.
Comment: B3GALNT2: BP4, BP7

NM_152490.5(B3GALNT2):c.1434G>A (p.Pro478=)

Genes: B3GALNT2 (beta-1,3-N-acetylgalactosaminyltransferase 2; minus strand), TBCE (tubulin folding cofactor E; plus strand). Cytogenetic location: 1q42.3.
Variant type: single nucleotide variant.
Coding change: c.1434G>A on transcript NM_152490.5 (MANE Select); coding-DNA position 1434, G replaced by A.
Protein change: p.Pro478=; no amino-acid change (proline 478 retained).
Molecular consequence: synonymous variant. On other transcripts: 3 prime UTR variant (4).
Genome position (GRCh38, 1-based): chr1:235,450,275, C>T on the plus strand (G>A on the coding strand, the complement: B3GALNT2 is on the minus strand). VCF-style: chr1-235450275-C-T. GRCh37 (hg19) VCF-style: chr1-235613590-C-T.
Other names: c.*1513C>T (NM_001079515.3, NM_001287801.2, NM_001287802.2 and 1 more transcripts).
Identifiers: ClinVar variation 1126848 (VCV001126848.32), dbSNP rs754116208, ClinGen allele CA1464584.